The following is an entry in ClinVar:

ClinVar aggregate classification (germline): Likely benign (0 of 4 stars; one submission).

Conditions:
ATAD5-related disorder. Also called: ATAD5-related condition.

Allele frequency attached by ClinVar (database versions not stated): ESP Exome Variant Server 0.00023; gnomAD 0.00031; gnomAD exomes 0.00034; TOPMed 0.00037; ExAC 0.00043; 1000 Genomes Project 30x 0.00047; 1000 Genomes Project 0.00060.
gnomAD v4.1: 578 of 1,613,968 alleles (0.036%); highest among the groups gnomAD compares: Middle Eastern, 0.58%; 3 homozygotes.

Submission:

PreventionGenetics, part of Exact Sciences
Classification: Likely benign for ATAD5-related condition. Last evaluated: 2019-09-06. Review status: no assertion criteria provided. Collection method: clinical testing. Allele origin: germline.
Comment: This variant is classified as likely benign based on ACMG/AMP sequence variant interpretation guidelines (Richards et al. 2015 PMID: 25741868, with internal and published modifications).

NM_024857.5(ATAD5):c.892G>A (p.Glu298Lys)

Gene: ATAD5 (ATPase family AAA domain containing 5; plus strand). Cytogenetic location: 17q11.2.
Variant type: single nucleotide variant.
Coding change: c.892G>A on transcript NM_024857.5 (MANE Select); coding-DNA position 892, G replaced by A.
Protein change: p.Glu298Lys; replaces glutamic acid 298 with lysine.
Molecular consequence: missense variant.
Genome position (GRCh38, 1-based): chr17:30,834,973, G>A. VCF-style: chr17-30834973-G-A. GRCh37 (hg19) VCF-style: chr17-29161991-G-A.
Other names: short protein forms E298K.
Identifiers: ClinVar variation 3041062 (VCV003041062.2), dbSNP rs186417181, ClinGen allele CA8483553.